The following is an entry in ClinVar:

NM_021098.3(CACNA1H):c.2497A>G (p.Thr833Ala)

Gene: CACNA1H (calcium voltage-gated channel subunit alpha1 H; plus strand). Cytogenetic location: 16p13.3.
Variant type: single nucleotide variant.
Coding change: c.2497A>G on transcript NM_021098.3 (MANE Select); coding-DNA position 2497, A replaced by G.
Protein change: p.Thr833Ala; replaces threonine 833 with alanine.
Molecular consequence: missense variant.
Genome position (GRCh38, 1-based): chr16:1,205,159, A>G. VCF-style: chr16-1205159-A-G. GRCh37 (hg19) VCF-style: chr16-1255159-A-G.
Other names: c.2497A>G, p.Thr833Ala (NM_001005407.2); short protein forms T833A.
Identifiers: ClinVar variation 451833 (VCV000451833.5), dbSNP rs1051410307, ClinGen allele CA276657851.
Genomic context (GRCh38, chr16:1,205,159, plus strand): 5'-CACCTCTGCCTGCAGCCCGAGGAGCTGACTAATGCTCTGGAGATCAGCAACATCGTGTTC[A>G]CCAGCATGTTTGCCCTGGAGATGCTGCTGAAGCTGCTGGCCTGCGGCCCTCTGGGCTACA-3'
Protein context (NP_066921.2, residues 823-843): NALEISNIVF[Thr833Ala]SMFALEMLLK

ClinVar aggregate classification (germline): Uncertain significance. Review status: criteria provided, multiple submitters, no conflicts (2 of 4 stars). 2 submissions from 2 submitters: Uncertain significance (2). Last evaluated 2025-06-12.

Conditions:
Idiopathic generalized epilepsy. Also called: EIG; Generalised epilepsy. Identifiers: MedGen C0270850, MONDO:0005579, OMIM 600669.
Hyperaldosteronism, familial, type IV (HALD4). Also called: FH IV; ALDOSTERONISM, PRIMARY, AND HYPERTENSION. Identifiers: Orphanet 642671, MedGen C4310756, MONDO:0014875, OMIM 617027.

Allele frequency attached by ClinVar (database versions not stated): gnomAD 0.00001; TOPMed 0.00001.

Submissions (2):

Labcorp Genetics (formerly Invitae), Labcorp
Classification: Uncertain significance for Idiopathic generalized epilepsy; Hyperaldosteronism, familial, type IV. Last evaluated: 2025-06-12. Review status: criteria provided, single submitter. Criteria: Invitae Variant Classification Sherloc (09022015). Collection method: clinical testing. Allele origin: germline.
Comment: This sequence change replaces threonine, which is neutral and polar, with alanine, which is neutral and non-polar, at codon 833 of the CACNA1H protein (p.Thr833Ala). This variant is not present in population databases (gnomAD no frequency). This variant has not been reported in the literature in individuals affected with CACNA1H-related conditions. ClinVar contains an entry for this variant (Variation ID: 451833). Invitae Evidence Modeling of protein sequence and biophysical properties (such as structural, functional, and spatial information, amino acid conservation, physicochemical variation, residue mobility, and thermodynamic stability) has been performed for this missense variant. However, the output from this modeling did not meet the statistical confidence thresholds required to predict the impact of this variant on CACNA1H protein function. In summary, the available evidence is currently insufficient to determine the role of this variant in disease. Therefore, it has been classified as a Variant of Uncertain Significance.

GeneDx
Classification: Uncertain significance. Last evaluated: 2017-09-05. Review status: criteria provided, single submitter. Criteria: GeneDx Variant Classification (06012015). Collection method: clinical testing. Allele origin: germline. Affected: yes.
Comment: The T833A variant in the CACNA1H gene has not been reported previously as a pathogenic variant, nor as a benign variant, to our knowledge. The T833A variant is not observed in large population cohorts (Lek et al., 2016; 1000 Genomes Consortium et al., 2015; Exome Variant Server). The T833A variant is a non-conservative amino acid substitution, which occurs at a position that is conserved across species. In silico analysis predicts this variant is probably damaging to the protein structure/function. We interpret T833A as a variant of uncertain significance